The following is an entry in ClinVar:

NM_004168.4(SDHA):c.1985G>A (p.Arg662His)

Gene: SDHA (succinate dehydrogenase complex flavoprotein subunit A; plus strand). Cytogenetic location: 5p15.33.
Variant type: single nucleotide variant.
Coding change: c.1985G>A on transcript NM_004168.4 (MANE Select); coding-DNA position 1985, G replaced by A.
Protein change: p.Arg662His; replaces arginine 662 with histidine.
Molecular consequence: missense variant.
Genome position (GRCh38, 1-based): chr5:256,410, G>A. VCF-style: chr5-256410-G-A. GRCh37 (hg19) VCF-style: chr5-256525-G-A.
Other names: c.1841G>A, p.Arg614His (NM_001294332.2); c.1742G>A, p.Arg581His (NM_001330758.2); short protein forms R581H, R614H, R662H.
Identifiers: ClinVar variation 1315688 (VCV001315688.5), dbSNP rs1042457, ClinGen allele CA112784577.
Genomic context (GRCh38, chr5:256,410, plus strand): 5'-GACCCGTGATCGACAAAACTTTGAACGAGGCTGACTGTGCCACCGTCCCGCCAGCCATTC[G>A]CTCCTACTGATGAGACAAGATGTGGTGATGACAGAATCAGCTTTTGTAATTATGTATAAT-3'
Protein context (NP_004159.2, residues 652-664): ADCATVPPAI[Arg662His]SY

ClinVar aggregate classification (germline): Uncertain significance. Review status: criteria provided, multiple submitters, no conflicts (2 of 4 stars). 2 submissions from 2 submitters: Uncertain significance (2). Last evaluated 2026-10-25.

Submissions (2):

GeneDx
Classification: Uncertain significance. Last evaluated: 2026-10-25. Review status: criteria provided, single submitter. Criteria: GeneDx Variant Classification Process June 2021. Collection method: clinical testing. Allele origin: germline.
Comment: Not observed at significant frequency in large population cohorts (gnomAD); In silico analysis supports that this missense variant has a deleterious effect on protein structure/function; Has not been previously published as pathogenic or benign to our knowledge

Women's Health and Genetics/Laboratory Corporation of America, LabCorp
Classification: Uncertain significance. Last evaluated: 2025-07-09. Review status: criteria provided, single submitter. Criteria: LabCorp Variant Classification Summary - May 2015. Collection method: clinical testing. Allele origin: germline.
Comment: Variant summary: SDHA c.1985G>A (p.Arg662His) results in a non-conservative amino acid change in the encoded protein sequence. Algorithms developed to predict the effect of missense changes on protein structure and function are either unavailable or do not agree on the potential impact of this missense change. The variant was absent in 251178 control chromosomes. The available data on variant occurrences in the general population are insufficient to allow any conclusion about variant significance. To our knowledge, no occurrence of c.1985G>A in individuals affected with SDHA-Related Disorders and no experimental evidence demonstrating its impact on protein function have been reported. ClinVar contains an entry for this variant (Variation ID: 1315688). Based on the evidence outlined above, the variant was classified as uncertain significance.